The following is an entry in ClinVar:

ClinVar aggregate classification (germline): Likely benign. Review status: criteria provided, multiple submitters, no conflicts (2 of 4 stars). 4 submissions from 4 submitters: Likely benign (4). Last evaluated 2025-04-29.

Conditions:
Episodic kinesigenic dyskinesia (EKD). Also called: Paroxysmal kinesigenic dyskinesia. Identifiers: Orphanet 98809, MedGen C1868682, MONDO:0044202.

Allele frequency attached by ClinVar (database versions not stated): gnomAD 0.00001; gnomAD exomes 0.00001; TOPMed 0.00003; ExAC 0.00001.
gnomAD v4.1: 15 of 1,608,498 alleles (0.00093%); highest among the groups gnomAD compares: Admixed American, 0.0067%; no homozygotes.

Submissions (4):

Labcorp Genetics (formerly Invitae), Labcorp
Classification: Likely benign for Episodic kinesigenic dyskinesia. Last evaluated: 2025-04-29. Review status: criteria provided, single submitter. Criteria: Invitae Variant Classification Sherloc (09022015). Collection method: clinical testing. Allele origin: germline.

Women's Health and Genetics/Laboratory Corporation of America, LabCorp
Classification: Likely benign. Last evaluated: 2025-02-25. Review status: criteria provided, single submitter. Criteria: LabCorp Variant Classification Summary - May 2015. Collection method: clinical testing. Allele origin: germline.

CeGaT Center for Human Genetics Tuebingen
Classification: Likely benign. Last evaluated: 2024-10-01. Review status: criteria provided, single submitter. Criteria: CeGaT Center For Human Genetics Tuebingen Variant Classification Criteria Version 2. Collection method: clinical testing. Allele origin: germline. Affected: yes. Observed: 2 variant alleles.
Comment: PRRT2: BP4, BP7

GeneDx
Classification: Likely benign. Last evaluated: 2016-02-01. Review status: criteria provided, single submitter. Criteria: GeneDx Variant Classification (06012015). Collection method: clinical testing. Allele origin: germline. Affected: yes.
Comment: This variant is considered likely benign or benign based on one or more of the following criteria: it is a conservative change, it occurs at a poorly conserved position in the protein, it is predicted to be benign by multiple in silico algorithms, and/or has population frequency not consistent with disease.

NM_145239.3(PRRT2):c.912C>T (p.Asp304=)

Genes: MVP-DT (MVP divergent transcript; minus strand), PRRT2 (proline rich transmembrane protein 2; plus strand). Cytogenetic location: 16p11.2.
Variant type: single nucleotide variant.
Coding change: c.912C>T on transcript NM_145239.3 (MANE Select); coding-DNA position 912, C replaced by T.
Protein change: p.Asp304=; no amino-acid change (aspartic acid 304 retained).
Molecular consequence: synonymous variant. On other transcripts: 3 prime UTR variant (1).
Genome position (GRCh38, 1-based): chr16:29,814,365, C>T. VCF-style: chr16-29814365-C-T. GRCh37 (hg19) VCF-style: chr16-29825686-C-T.
Other names: c.912C>T, p.Asp304= (NM_001256442.2); c.*411C>T (NM_001256443.2).
Identifiers: ClinVar variation 383530 (VCV000383530.52), dbSNP rs759633234, ClinGen allele CA7994624.